The following is an entry in ClinVar:

NM_001267550.2(TTN):c.88306+1G>C

Genes: TTN (titin; minus strand), TTN-AS1 (TTN antisense RNA 1; plus strand). Cytogenetic location: 2q31.2.
Variant type: single nucleotide variant.
Coding change: c.88306+1G>C on transcript NM_001267550.2 (MANE Select); the canonical splice donor site of the intron after coding-DNA position 88306, G replaced by C.
Molecular consequence: splice donor variant.
Genome position (GRCh38, 1-based): chr2:178,556,847, C>G on the plus strand (G>C on the coding strand, the complement: TTN is on the minus strand). VCF-style: chr2-178556847-C-G. GRCh37 (hg19) VCF-style: chr2-179421574-C-G.
Other names: c.61111+1G>C (NM_003319.4); c.61687+1G>C (NM_133437.4); c.61486+1G>C (NM_133432.3); c.80602+1G>C (NM_133378.4); c.83383+1G>C (NM_001256850.1).
Identifiers: ClinVar variation 165765 (VCV000165765.13), dbSNP rs727503550, ClinGen allele CA273251.
Genomic context (GRCh38, chr2:178,556,847, plus strand): 5'-AAGGTATGCGGAAATACTGAGTTAAATAGCAATTTTGATTCAAAGTGCTAAGCATGCTTA[C>G]CATAAGAATCGATGCAAGTAATGGGCCCTACAACCTCAGATGGATTGCTAATGGAACCAA-3'

ClinVar aggregate classification (germline): Conflicting classifications of pathogenicity. Review status: criteria provided, conflicting classifications (1 of 4 stars). 3 submissions from 3 submitters: Likely pathogenic (2); Uncertain significance (1). Last evaluated 2025-02-19.

Conditions:
Autosomal recessive limb-girdle muscular dystrophy type 2J (LGMDR10). Also called: MUSCULAR DYSTROPHY, LIMB-GIRDLE, AUTOSOMAL RECESSIVE 10; Limb-girdle muscular dystrophy, type 2J. Identifiers: Orphanet 140922, MedGen C1837342, MONDO:0012127, OMIM 608807.
Dilated cardiomyopathy 1G (CMD1G). Identifiers: Orphanet 154, MedGen C1858763, MONDO:0011400, OMIM 604145.
Tibial muscular dystrophy (TMD). Also called: Tibial muscular dystrophy, tardive; Udd Distal Myopathy – Tibial Muscular Dystrophy; UDD MYOPATHY. Identifiers: Orphanet 609, MedGen C1838244, MONDO:0010870, OMIM 600334.
Myopathy, myofibrillar, 9, with early respiratory failure (MFM9). Also called: Myopathy, distal, with early respiratory failure, autosomal dominant; EDSTROM MYOPATHY; MYOPATHY, PROXIMAL, WITH EARLY RESPIRATORY MUSCLE INVOLVEMENT; Hereditary myopathy with early respiratory failure. Identifiers: Orphanet 178464, Orphanet 34521, MedGen C1863599, MONDO:0011362, OMIM 603689.
Early-onset myopathy with fatal cardiomyopathy (CMYO5). Also called: CONGENITAL MYOPATHY 5 WITH CARDIOMYOPATHY; Salih Myopathy. Identifiers: Orphanet 289377, MedGen C2673677, MONDO:0012714, OMIM 611705. Disease mechanism: loss of function.
Hypertrophic cardiomyopathy 9. Also called: Familial hypertrophic cardiomyopathy 9. Identifiers: MedGen C1861065, MONDO:0013412, OMIM 613765.

Submissions (3):

HudsonAlpha Institute for Biotechnology
Classification: Likely pathogenic for Dilated cardiomyopathy 1G; Hypertrophic cardiomyopathy 9; Early-onset myopathy with fatal cardiomyopathy; Autosomal recessive limb-girdle muscular dystrophy type 2J; Myopathy, myofibrillar, 9, with early respiratory failure; Tibial muscular dystrophy. Last evaluated: 2025-02-19. Review status: criteria provided, single submitter. Criteria: ACMG Guidelines, 2015. Collection method: research. Allele origin: unknown. Observed: 1 variant allele. Study: AGHI-WGS-HudsonAlpha.

Labcorp Genetics (formerly Invitae), Labcorp
Classification: Likely pathogenic for Dilated cardiomyopathy 1G; Autosomal recessive limb-girdle muscular dystrophy type 2J. Last evaluated: 2021-09-06. Review status: criteria provided, single submitter. Criteria: Invitae Variant Classification Sherloc (09022015). Collection method: clinical testing. Allele origin: germline.
Comment: This variant is located in the A band of TTN (PMID: 25589632). Truncating variants in this region are significantly overrepresented in patients affected with dilated cardiomyopathy (PMID: 25589632). Truncating variants in this region have also been reported in individuals affected with autosomal recessive centronuclear myopathy (PMID: 23975875). Algorithms developed to predict the effect of sequence changes on RNA splicing suggest that this variant may disrupt the consensus splice site. ClinVar contains an entry for this variant (Variation ID: 165765). Disruption of this splice site has been observed in individual(s) with clinical features of dilated cardiomyopathy (Invitae). This variant is not present in population databases (ExAC no frequency). This sequence change affects a donor splice site in intron 330 of the TTN gene. It is expected to disrupt RNA splicing and likely results in a truncated or disrupted TTN protein. In summary, the currently available evidence indicates that the variant is pathogenic, but additional data are needed to prove that conclusively. Therefore, this variant has been classified as Likely Pathogenic.

Laboratory for Molecular Medicine, Mass General Brigham Personalized Medicine
Classification: Uncertain significance. Last evaluated: 2019-02-27. Review status: criteria provided, single submitter. Criteria: LMM Criteria. Collection method: clinical testing. Allele origin: germline. Observed: 2 variant alleles.
Comment: Variant classified as Uncertain Significance - Favor Pathogenic. It was absent from large population studies. This variant occurs within the canonical splice site (+/- 1,2) and is predicted to cause altered splicing leading to an abnormal or absent protein. Splice and other truncating variants in TTN are strongly associated with DCM and the majority occur in exons encoding for the A-band region of the protein (Herman 2012, Pugh 2014), where this variant is located. In summary, while there is some suspicion for a pathogenic role, the clinical significance of this variant is uncertain. ACMG/AMP criteria applied: PVS1_Moderate, PM2.

Literature cited by the submitters: PubMed 25589632 (cited by Labcorp Genetics (formerly Invitae), Labcorp); PubMed 23975875 (cited by Labcorp Genetics (formerly Invitae), Labcorp).